The following is an entry in ClinVar:

ClinVar aggregate classification (germline): Pathogenic/Likely pathogenic. Review status: criteria provided, multiple submitters, no conflicts (2 of 4 stars). 4 submissions from 4 submitters: Pathogenic (2); Likely pathogenic (2). Last evaluated 2026-01-21.

Conditions:
X-linked Alport syndrome (ATS1). Also called: NEPHROPATHY AND DEAFNESS, X-LINKED; COL4A5-Related Nephropathy. Identifiers: Orphanet 63, Orphanet 88917, MedGen C4746986, MONDO:0010520, OMIM 301050.

Allele frequency attached by ClinVar (database versions not stated): TOPMed 0.00001.

Submissions (4):

Labcorp Genetics (formerly Invitae), Labcorp
Classification: Likely pathogenic. Last evaluated: 2026-01-21. Review status: criteria provided, single submitter. Criteria: Invitae Variant Classification Sherloc (09022015). Collection method: clinical testing. Allele origin: germline.
Comment: This sequence change replaces glycine, which is neutral and non-polar, with serine, which is neutral and polar, at codon 186 of the COL4A5 protein (p.Gly186Ser). This variant is not present in population databases (gnomAD no frequency). This missense change has been observed in individual(s) with clinical features of Alport syndrome (PMID: 28780565). ClinVar contains an entry for this variant (Variation ID: 2138683). Invitae Evidence Modeling of protein sequence and biophysical properties (such as structural, functional, and spatial information, amino acid conservation, physicochemical variation, residue mobility, and thermodynamic stability) indicates that this missense variant is expected to disrupt COL4A5 protein function with a positive predictive value of 95%. This variant disrupts the triple helix domain of COL4A5. Glycine residues within the Gly-Xaa-Yaa repeats of the triple helix domain are required for the structure and stability of fibrillar collagens (PMID: 7695699, 8218237, 19344236). In COL4A5, missense variants at these glycine residues are significantly enriched in individuals with disease (PMID: 23720012, 27627812) compared to the general population (ExAC). This variant disrupts the p.Gly186 amino acid residue in COL4A5. Other variant(s) that disrupt this residue have been observed in individuals with COL4A5-related conditions (PMID: 28780565; internal data), which suggests that this may be a clinically significant amino acid residue. In summary, the currently available evidence indicates that the variant is pathogenic, but additional data are needed to prove that conclusively. Therefore, this variant has been classified as Likely Pathogenic.

Natera, Inc.
Classification: Likely pathogenic for X-linked Alport syndrome. Last evaluated: 2025-09-04. Review status: criteria provided, single submitter. Criteria: Natera Variant Classification Schema (03/2026). Collection method: clinical testing. Allele origin: germline.
Comment: The c.556G>A variant in COL4A5 is a missense variant predicted to cause substitution of glycine to serine at amino acid 186. This variant is rare in the general population with a frequency below the threshold expected for the associated phenotype(s). This variant has been observed in affected individual(s) with monoallelic occurrence (heterozygous/hemizygous) (PMID: 28780565). This variant is located in a functionally critical region of the protein. Computational prediction algorithms indicate this variant is likely to affect gene or protein function. Given the available evidence, this variant is classified as Likely Pathogenic.

GeneDx
Classification: Pathogenic. Last evaluated: 2025-03-11. Review status: criteria provided, single submitter. Criteria: GeneDx Variant Classification Process June 2021. Collection method: clinical testing. Allele origin: germline. Affected: yes.
Comment: Affects a glycine residue in a Gly-X-Y motif in the triple helical region of the COL4A5 gene, where the majority of pathogenic missense variants occur, and is predicted to disrupt normal protein folding and function (HGMD; PMID: 10752524); Not observed at significant frequency in large population cohorts (gnomAD); In silico analysis supports that this missense variant has a deleterious effect on protein structure/function; This variant is associated with the following publications: (PMID: 10752524, 28780565)

Fulgent Genetics
Classification: Pathogenic for X-linked Alport syndrome. Last evaluated: 2024-04-03. Review status: criteria provided, single submitter. Criteria: ACMG Guidelines, 2015. Collection method: clinical testing. Allele origin: germline.

Literature cited by the submitters: PubMed 28780565 (cited by Labcorp Genetics (formerly Invitae), Labcorp and Natera, Inc.); PubMed 7695699 (cited by Labcorp Genetics (formerly Invitae), Labcorp); PubMed 8218237 (cited by Labcorp Genetics (formerly Invitae), Labcorp); PubMed 19344236 (cited by Labcorp Genetics (formerly Invitae), Labcorp); PubMed 23720012 (cited by Labcorp Genetics (formerly Invitae), Labcorp); PubMed 27627812 (cited by Labcorp Genetics (formerly Invitae), Labcorp).

NM_033380.3(COL4A5):c.556G>A (p.Gly186Ser)

Gene: COL4A5 (collagen type IV alpha 5 chain; plus strand). Cytogenetic location: Xq22.3.
Variant type: single nucleotide variant.
Coding change: c.556G>A on transcript NM_033380.3 (MANE Select); coding-DNA position 556, G replaced by A.
Protein change: p.Gly186Ser; replaces glycine 186 with serine.
Molecular consequence: missense variant.
Genome position (GRCh38, 1-based): chrX:108,575,919, G>A. VCF-style: chrX-108575919-G-A. GRCh37 (hg19) VCF-style: chrX-107819149-G-A.
Other names: c.556G>A, p.Gly186Ser (NM_000495.5); c.556G>A (NM_033380.1, NM_000495.4); short protein forms G186S.
Identifiers: ClinVar variation 2138683 (VCV002138683.7), dbSNP rs2066140289, ClinGen allele CA413921949.